The following is an entry in ClinVar:

NM_000548.5(TSC2):c.1533G>A (p.Leu511=)

Gene: TSC2 (TSC complex subunit 2; plus strand). Cytogenetic location: 16p13.3.
Variant type: single nucleotide variant.
Coding change: c.1533G>A on transcript NM_000548.5 (MANE Select); coding-DNA position 1533, G replaced by A.
Protein change: p.Leu511=; no amino-acid change (leucine 511 retained).
Molecular consequence: synonymous variant.
Genome position (GRCh38, 1-based): chr16:2,064,361, G>A. VCF-style: chr16-2064361-G-A. GRCh37 (hg19) VCF-style: chr16-2114362-G-A.
Other names: c.1533G>A, p.Leu511= (NM_001077183.3, NM_001114382.3, NM_001363528.2 and 3 more transcripts); c.1422G>A, p.Leu474= (NM_001318827.2); c.1386G>A, p.Leu462= (NM_001318829.2); c.933G>A, p.Leu311= (NM_001318831.2); c.1566G>A, p.Leu522= (NM_001318832.2).
Identifiers: ClinVar variation 1616222 (VCV001616222.9), dbSNP rs771932622, ClinGen allele CA492962969.

ClinVar aggregate classification (germline): Benign/Likely benign. Review status: criteria provided, multiple submitters, no conflicts (2 of 4 stars). 2 submissions from 2 submitters: Benign (1); Likely benign (1). Last evaluated 2025-05-14.

Conditions:
Tuberous sclerosis 2 (TSC2). Identifiers: Orphanet 805, MedGen C1860707, MONDO:0013199, OMIM 613254.

gnomAD v4.1: 1 of 1,613,804 alleles (0.000062%); highest among the groups gnomAD compares: Non-Finnish European, 0.000085%; no homozygotes.

Submissions (2):

Myriad Genetics, Inc.
Classification: Benign for Tuberous sclerosis 2. Last evaluated: 2025-05-14. Review status: criteria provided, single submitter. Criteria: Myriad Autosomal Dominant, Autosomal Recessive and X-Linked Classification Criteria (2023). Collection method: clinical testing. Allele origin: unknown.
Comment: This variant is considered benign. This variant is a silent/synonymous amino acid change and it is not expected to impact splicing.

Labcorp Genetics (formerly Invitae), Labcorp
Classification: Likely benign for Tuberous sclerosis 2. Last evaluated: 2021-11-16. Review status: criteria provided, single submitter. Criteria: Invitae Variant Classification Sherloc (09022015). Collection method: clinical testing. Allele origin: germline.